The following is an entry in ClinVar:

NM_000465.4(BARD1):c.676G>C (p.Asp226His)

Gene: BARD1 (BRCA1 associated RING domain 1; minus strand). Cytogenetic location: 2q35.
Variant type: single nucleotide variant.
Coding change: c.676G>C on transcript NM_000465.4 (MANE Select); coding-DNA position 676, G replaced by C.
Protein change: p.Asp226His; replaces aspartic acid 226 with histidine.
Molecular consequence: missense variant. On other transcripts: non-coding transcript variant (2), intron variant (3).
Genome position (GRCh38, 1-based): chr2:214,781,198, C>G on the plus strand (G>C on the coding strand, the complement: BARD1 is on the minus strand). VCF-style: chr2-214781198-C-G. GRCh37 (hg19) VCF-style: chr2-215645922-C-G.
Other names: c.619G>C, p.Asp207His (NM_001282543.2); c.158+28214G>C (NM_001282548.2); c.215+15863G>C (NM_001282545.2); c.364+11099G>C (NM_001282549.2); short protein forms D226H, D207H.
Identifiers: ClinVar variation 232745 (VCV000232745.26), dbSNP rs876659965, ClinGen allele CA10577839.

ClinVar aggregate classification (germline): Conflicting classifications of pathogenicity. Review status: criteria provided, conflicting classifications (1 of 4 stars). 7 submissions from 7 submitters: Uncertain significance (6); Likely benign (1). Last evaluated 2026-01-05.

Conditions:
Hereditary cancer-predisposing syndrome. Also called: Neoplastic Syndromes, Hereditary; Tumor predisposition; Hereditary Cancer Syndrome; Hereditary neoplastic syndrome. Identifiers: Orphanet 140162, MedGen C0027672, MeSH D009386, MONDO:0015356.
Familial cancer of breast. Also called: BREAST CANCER, FAMILIAL; hereditary breast carcinoma; Hereditary breast cancer. Identifiers: Orphanet 227535, MedGen C0346153, MONDO:0016419, OMIM 114480. Disease mechanism: loss of function.

Allele frequency attached by ClinVar (database versions not stated): gnomAD exomes below 0.00001.
gnomAD v4.1: 3 of 1,589,690 alleles (0.00019%); highest among the groups gnomAD compares: East Asian, 0.0022%; no homozygotes.

Submissions (7):

Labcorp Genetics (formerly Invitae), Labcorp
Classification: Uncertain significance for Familial cancer of breast. Last evaluated: 2026-01-05. Review status: criteria provided, single submitter. Criteria: Invitae Variant Classification Sherloc (09022015). Collection method: clinical testing. Allele origin: germline.
Comment: This sequence change replaces aspartic acid, which is acidic and polar, with histidine, which is basic and polar, at codon 226 of the BARD1 protein (p.Asp226His). This variant is not present in population databases (gnomAD no frequency). This variant has not been reported in the literature in individuals affected with BARD1-related conditions. ClinVar contains an entry for this variant (Variation ID: 232745). An algorithm developed to predict the effect of missense changes on protein structure and function (PolyPhen-2) suggests that this variant is likely to be tolerated. In summary, the available evidence is currently insufficient to determine the role of this variant in disease. Therefore, it has been classified as a Variant of Uncertain Significance.

Ambry Genetics
Classification: Uncertain significance for Hereditary cancer-predisposing syndrome. Last evaluated: 2025-02-08. Review status: criteria provided, single submitter. Criteria: Ambry Variant Classification Scheme 2023. Collection method: clinical testing. Allele origin: germline.
Comment: The p.D226H variant (also known as c.676G>C), located in coding exon 4 of the BARD1 gene, results from a G to C substitution at nucleotide position 676. The aspartic acid at codon 226 is replaced by histidine, an amino acid with similar properties. This amino acid position is not well conserved in available vertebrate species. In addition, this alteration is predicted to be tolerated by in silico analysis. Since supporting evidence is limited at this time, the clinical significance of this alteration remains unclear.

Color Diagnostics, LLC DBA Color Health
Classification: Uncertain significance for Hereditary cancer-predisposing syndrome. Last evaluated: 2025-01-13. Review status: criteria provided, single submitter. Criteria: ACMG Guidelines, 2015. Collection method: clinical testing. Allele origin: germline.
Comment: This missense variant replaces aspartic acid with histidine at codon 226 of the BARD1 protein. Computational prediction suggests that this variant may not impact protein structure and function. To our knowledge, functional studies have not been performed for this variant. This variant has not been reported in individuals affected with hereditary cancer in the literature. This variant has not been identified in the general population by the Genome Aggregation Database (gnomAD). The available evidence is insufficient to determine the role of this variant in disease conclusively. Therefore, this variant is classified as a Variant of Uncertain Significance.

Baylor Genetics
Classification: Uncertain significance for Familial cancer of breast. Last evaluated: 2024-02-27. Review status: criteria provided, single submitter. Criteria: ACMG Guidelines, 2015. Collection method: clinical testing. Allele origin: unknown.

Myriad Genetics, Inc.
Classification: Likely benign for Familial cancer of breast. Last evaluated: 2023-11-06. Review status: criteria provided, single submitter. Criteria: Myriad Autosomal Dominant, Autosomal Recessive and X-Linked Classification Criteria (2023). Collection method: clinical testing. Allele origin: unknown.
Comment: This variant is considered likely benign. This variant is strongly associated with less severe personal and family histories of cancer, typical for individuals without pathogenic variants in this gene [PMID: 25085752].

GeneDx
Classification: Uncertain significance. Last evaluated: 2023-05-26. Review status: criteria provided, single submitter. Criteria: GeneDx Variant Classification Process June 2021. Collection method: clinical testing. Allele origin: germline. Affected: yes.
Comment: Not observed at significant frequency in large population cohorts (gnomAD); In silico analysis supports that this missense variant does not alter protein structure/function; Has not been previously published as pathogenic or benign to our knowledge

Sema4
Classification: Uncertain significance for Hereditary cancer-predisposing syndrome. Last evaluated: 2022-03-02. Review status: criteria provided, single submitter. Criteria: Sema4 Curation Guidelines. Collection method: curation. Allele origin: germline.
Comment: To the best of our knowledge, the BARD1 c.676G>C (p.D226H) variant has not been reported in individuals with BARD1-related disease. It was not observed in the large and broad cohorts of the Genome Aggregation Database (PMID: 32461654). The variant has been reported in ClinVar (Variation ID: 232745). Functional studies have not been performed, and in silico predictions of the variant's effect on protein function are inconclusive. The evidence is insufficient to meet ACMG/AMP criteria for classifying the variant as benign or pathogenic. Thus, the clinical significance of this variant is currently uncertain.

Literature cited by the submitters: PubMed 25085752 (cited by Myriad Genetics, Inc.).